The following is an entry in ClinVar:

ClinVar aggregate classification (germline): Uncertain significance (1 of 4 stars; one submission).

gnomAD v4.1: 3 of 1,613,930 alleles (0.00019%); highest among the groups gnomAD compares: Non-Finnish European, 0.00025%; no homozygotes.

Submission:

Labcorp Genetics (formerly Invitae), Labcorp
Classification: Uncertain significance. Last evaluated: 2024-03-17. Review status: criteria provided, single submitter. Criteria: Invitae Variant Classification Sherloc (09022015). Collection method: clinical testing. Allele origin: germline.
Comment: This sequence change replaces arginine, which is basic and polar, with tryptophan, which is neutral and slightly polar, at codon 332 of the CPOX protein (p.Arg332Trp). This variant is not present in population databases (gnomAD no frequency). This missense change has been observed in individual(s) with clinical features of autosomal dominant hereditary coproporphyria (PMID: 30385147; Invitae). Advanced modeling of protein sequence and biophysical properties (such as structural, functional, and spatial information, amino acid conservation, physicochemical variation, residue mobility, and thermodynamic stability) performed at Invitae indicates that this missense variant is expected to disrupt CPOX protein function with a positive predictive value of 80%. This variant disrupts the p.Arg332 amino acid residue in CPOX. Other variant(s) that disrupt this residue have been determined to be pathogenic (PMID: 18557518, 23582006; Invitae). This suggests that this residue is clinically significant, and that variants that disrupt this residue are likely to be disease-causing. In summary, the available evidence is currently insufficient to determine the role of this variant in disease. Therefore, it has been classified as a Variant of Uncertain Significance.

Literature cited by the submitters: PubMed 30385147; PubMed 18557518; PubMed 23582006.

NM_000097.7(CPOX):c.994C>T (p.Arg332Trp)

Gene: CPOX (coproporphyrinogen oxidase; minus strand). Cytogenetic location: 3q11.2.
Variant type: single nucleotide variant.
Coding change: c.994C>T on transcript NM_000097.7 (MANE Select); coding-DNA position 994, C replaced by T.
Protein change: p.Arg332Trp; replaces arginine 332 with tryptophan.
Molecular consequence: missense variant.
Genome position (GRCh38, 1-based): chr3:98,585,619, G>A on the plus strand (C>T on the coding strand, the complement: CPOX is on the minus strand). VCF-style: chr3-98585619-G-A. GRCh37 (hg19) VCF-style: chr3-98304463-G-A.
Other names: short protein forms R332W.
Identifiers: ClinVar variation 3609129 (VCV003609129.2).